The following is an entry in ClinVar:

ClinVar aggregate classification (germline): Likely benign. Review status: criteria provided, single submitter (1 of 4 stars). 2 submissions from 2 submitters: Likely benign (1). 1 of the submissions does not count toward it. Last evaluated 2023-08-04.

Conditions:
SEMA3E-related disorder. Also called: SEMA3E-related condition.
CHARGE syndrome (CHARGE). Also called: Coloboma, heart anomaly, choanal atresia, retardation, genital and ear anomalies; CHARGE association; Hall-Hittner syndrome; Hittner Hirsch Kreh syndrome; CHARGE ASSOCIATION--COLOBOMA, HEART ANOMALY, CHOANAL ATRESIA, RETARDATION, GENITAL AND EAR ANOMALIES. Identifiers: Orphanet 138, MedGen C0265354, MONDO:0008965.

Allele frequency attached by ClinVar (database versions not stated): gnomAD 0.00001; gnomAD exomes 0.00002; TOPMed 0.00002.
gnomAD v4.1: 27 of 1,613,514 alleles (0.0017%); highest among the groups gnomAD compares: Non-Finnish European, 0.002%; no homozygotes.

Submissions (2):

Labcorp Genetics (formerly Invitae), Labcorp
Classification: Likely benign for CHARGE syndrome. Last evaluated: 2023-08-04. Review status: criteria provided, single submitter. Criteria: Invitae Variant Classification Sherloc (09022015). Collection method: clinical testing. Allele origin: germline.

PreventionGenetics, part of Exact Sciences
Classification: Likely benign for SEMA3E-related condition. Last evaluated: 2022-02-11. Review status: no assertion criteria provided. Collection method: clinical testing. Allele origin: germline. Not counted in ClinVar's aggregate classification.
Comment: This variant is classified as likely benign based on ACMG/AMP sequence variant interpretation guidelines (Richards et al. 2015 PMID: 25741868, with internal and published modifications).

NM_012431.3(SEMA3E):c.597C>T (p.Asp199=)

Gene: SEMA3E (semaphorin 3E; minus strand). Cytogenetic location: 7q21.11.
Variant type: single nucleotide variant.
Coding change: c.597C>T on transcript NM_012431.3 (MANE Select); coding-DNA position 597, C replaced by T.
Protein change: p.Asp199=; no amino-acid change (aspartic acid 199 retained).
Molecular consequence: synonymous variant.
Genome position (GRCh38, 1-based): chr7:83,408,441, G>A on the plus strand (C>T on the coding strand, the complement: SEMA3E is on the minus strand). VCF-style: chr7-83408441-G-A. GRCh37 (hg19) VCF-style: chr7-83037757-G-A.
Other names: c.417C>T, p.Asp139= (NM_001178129.2).
Identifiers: ClinVar variation 696312 (VCV000696312.11), dbSNP rs200688368, ClinGen allele CA161171887.